The following is an entry in ClinVar:

NM_005475.3(SH2B3):c.557G>T (p.Ser186Ile)

Gene: SH2B3 (SH2B adaptor protein 3; plus strand). Cytogenetic location: 12q24.12.
Variant type: single nucleotide variant.
Coding change: c.557G>T on transcript NM_005475.3 (MANE Select); coding-DNA position 557, G replaced by T.
Protein change: p.Ser186Ile; replaces serine 186 with isoleucine.
Molecular consequence: missense variant.
Genome position (GRCh38, 1-based): chr12:111,418,702, G>T. VCF-style: chr12-111418702-G-T. GRCh37 (hg19) VCF-style: chr12-111856506-G-T.
Other names: short protein forms S186I.
Identifiers: ClinVar variation 2672522 (VCV002672522.24), dbSNP rs183913232, ClinGen allele CA6789688.

ClinVar aggregate classification (germline): Likely benign. Review status: criteria provided, multiple submitters, no conflicts (2 of 4 stars). 2 submissions from 2 submitters: Likely benign (2). Last evaluated 2026-09-16.

Conditions:
Myeloproliferative neoplasm. Identifiers: Orphanet 98274, MedGen C1292778, MONDO:0020076.

Allele frequency attached by ClinVar (database versions not stated): 1000 Genomes Project 0.00080; 1000 Genomes Project 30x 0.00219; TOPMed 0.00358; ESP Exome Variant Server 0.00397; ExAC 0.01209.
gnomAD v4.1: 9,554 of 1,486,858 alleles (0.64%); highest among the groups gnomAD compares: Middle Eastern, 0.8%; 51 homozygotes.

Submissions (2):

Dept of Medical Biology, Uskudar University
Classification: Likely benign for Myeloproliferative neoplasm. Last evaluated: 2026-09-16. Review status: criteria provided, single submitter. Criteria: Dept of Medical Biology Variant Classification. Collection method: research. Allele origin: germline. Affected: yes. Observed: 3 variant alleles.
Comment: BS1: allele frequency 1.6e-02 in the Finnish population and 6.6e-03 in exomes in gnomAD v4.1. BP4: computational evidence suggests no impact (SIFT 0.09 tolerated; PolyPhen-2 0.028 benign). BP6: classified as likely benign in ClinVar (VCV002672522). Detected in three patients. BS1 was applied at full strength where the gnomAD v4.1 grpmax filtering allele frequency exceeds 2.5e-04 (PMID:28518168) and at supporting strength where only the unfiltered population frequency does. Classified as likely benign under the ACMG/AMP 2015 guidelines (PMID:25741868). Detected in a retrospective series of 256 BCR::ABL1-negative and JAK2 V617F-negative patients referred for molecular investigation of a suspected myeloproliferative neoplasm (May 2007 to January 2015) and re-interpreted under the ACMG/AMP 2015 criteria.

CeGaT Center for Human Genetics Tuebingen
Classification: Likely benign. Last evaluated: 2026-07-01. Review status: criteria provided, single submitter. Criteria: CeGaT Center For Human Genetics Tuebingen Variant Classification Criteria Version 2. Collection method: clinical testing. Allele origin: germline. Affected: yes. Observed: 6 variant alleles.
Comment: SH2B3: BS2